The following is an entry in ClinVar:

NM_001605.3(AARS1):c.2480A>G (p.Asp827Gly)

Gene: AARS1 (alanyl-tRNA synthetase 1; minus strand). Cytogenetic location: 16q22.1.
Variant type: single nucleotide variant.
Coding change: c.2480A>G on transcript NM_001605.3 (MANE Select); coding-DNA position 2480, A replaced by G.
Protein change: p.Asp827Gly; replaces aspartic acid 827 with glycine.
Molecular consequence: missense variant.
Genome position (GRCh38, 1-based): chr16:70,253,959, T>C on the plus strand (A>G on the coding strand, the complement: AARS1 is on the minus strand). VCF-style: chr16-70253959-T-C. GRCh37 (hg19) VCF-style: chr16-70287862-T-C.
Other names: short protein forms D827G.
Identifiers: ClinVar variation 4736121 (VCV004736121.1).

ClinVar aggregate classification (germline): Uncertain significance (1 of 4 stars; one submission).

Conditions:
Charcot-Marie-Tooth disease type 2. Also called: Charcot-Marie-Tooth type 2. Identifiers: Orphanet 64746, MedGen C0270914, MONDO:0018993.

Submission:

Labcorp Genetics (formerly Invitae), Labcorp
Classification: Uncertain significance for Charcot-Marie-Tooth disease type 2. Last evaluated: 2025-12-01. Review status: criteria provided, single submitter. Criteria: Invitae Variant Classification Sherloc (09022015). Collection method: clinical testing. Allele origin: germline.
Comment: This sequence change replaces aspartic acid, which is acidic and polar, with glycine, which is neutral and non-polar, at codon 827 of the AARS protein (p.Asp827Gly). This variant is not present in population databases (gnomAD no frequency). This variant has not been reported in the literature in individuals affected with AARS-related conditions. Invitae Evidence Modeling of protein sequence and biophysical properties (such as structural, functional, and spatial information, amino acid conservation, physicochemical variation, residue mobility, and thermodynamic stability) indicates that this missense variant is not expected to disrupt AARS protein function with a negative predictive value of 95%. In summary, the available evidence is currently insufficient to determine the role of this variant in disease. Therefore, it has been classified as a Variant of Uncertain Significance.